The following is an entry in ClinVar:

ClinVar aggregate classification (germline): Pathogenic (1 of 4 stars; one submission).

Submission:

CeGaT Center for Human Genetics Tuebingen
Classification: Pathogenic. Last evaluated: 2024-05-01. Review status: criteria provided, single submitter. Criteria: CeGaT Center For Human Genetics Tuebingen Variant Classification Criteria Version 2. Collection method: clinical testing. Allele origin: germline. Affected: yes. Observed: 1 variant allele.
Comment: HNF1A: PVS1, PM2

NM_000545.8(HNF1A):c.1381_1384del (p.Pro461fs)

Gene: HNF1A (HNF1 homeobox A; plus strand). Cytogenetic location: 12q24.31.
Variant type: Deletion.
Coding change: c.1381_1384del on transcript NM_000545.8 (MANE Select); coding-DNA positions 1381 to 1384, 4 bases deleted (CCCG; older notation c.1381_1384delCCCG).
Protein change: p.Pro461fs; shifts the reading frame from proline 461.
Molecular consequence: frameshift variant. On other transcripts: intron variant (1).
Genome position (GRCh38, 1-based): chr12:120,997,545-120,997,548, CCCG deleted; deleting any 4 consecutive bases within chr12:120,997,544-120,997,548 gives the same sequence; the c. name uses the placement nearest the transcript's 3' end. VCF-style (leftmost placement, unchanged base first): chr12-120997543-AGCCC-A. GRCh37 (hg19) VCF-style: chr12-121435346-AGCCC-A.
Other names: c.1381_1384del, p.Pro461fs (NM_001306179.2); c.1309+803_1309+806del (NM_001406915.1); short protein forms P461fs.
Identifiers: ClinVar variation 3239335 (VCV003239335.19), dbSNP rs2500005075.
Genomic context (GRCh38, chr12:120,997,543, plus strand): 5'-CCACGCAGGCACAGAGTGTGCCGGTCATCAACAGCATGGGCAGCAGCCTGACCACCCTGC[AGCCC>A]GTCCAGTTCTCCCAGCCGCTGCACCCCTCCTACCAGCAGCCGCTCATGCCACCTGTGCAG-3'